The following is an entry in ClinVar:

NM_001012614.2(CTBP1):c.821G>A (p.Arg274His)

Genes: CTBP1 (C-terminal binding protein 1; minus strand), CTBP1-AS (CTBP1 antisense RNA; plus strand). Cytogenetic location: 4p16.3.
Variant type: single nucleotide variant.
Coding change: c.821G>A on transcript NM_001012614.2 (MANE Select); coding-DNA position 821, G replaced by A.
Protein change: p.Arg274His; replaces arginine 274 with histidine.
Molecular consequence: missense variant.
Genome position (GRCh38, 1-based): chr4:1,214,382, C>T on the plus strand (G>A on the coding strand, the complement: CTBP1 is on the minus strand). VCF-style: chr4-1214382-C-T. GRCh37 (hg19) VCF-style: chr4-1208170-C-T.
Other names: c.854G>A, p.Arg285His (NM_001328.3, NM_001377186.1); c.821G>A, p.Arg274His (NM_001377187.1, NM_001377188.1, NM_001377189.1 and 4 more transcripts); short protein forms R274H, R285H.
Identifiers: ClinVar variation 1311795 (VCV001311795.3), dbSNP rs2108706843, ClinGen allele CA355946802.

ClinVar aggregate classification (germline): Uncertain significance (1 of 4 stars; one submission).

Submission:

GeneDx
Classification: Uncertain significance. Last evaluated: 2023-12-17. Review status: criteria provided, single submitter. Criteria: GeneDx Variant Classification Process June 2021. Collection method: clinical testing. Allele origin: germline. Affected: yes.
Comment: Not observed at significant frequency in large population cohorts (gnomAD); In silico analysis supports that this missense variant has a deleterious effect on protein structure/function; Has not been previously published as pathogenic or benign to our knowledge